The following is an entry in ClinVar:

ClinVar aggregate classification (germline): not provided (0 of 4 stars; one submission).

Conditions:
Preeclampsia. Identifiers: Orphanet 275555, MedGen C0032914, MONDO:0005081, HP:0100602.

Submission:

Institute of Molecular and Cell Biology, University of Tartu
No classification provided. Condition: Preeclampsia. Review status: no classification provided. Collection method: case-control. Allele origin: unknown. Affected: yes. Study: Kasak2014.
Comment: The study aimed to determine the contribution of copy number variants in the genetic etiology of normal and complicated pregnancies. The samples represented (i) maternal blood DNA drawn from healthy pregnant women during 1st or 2nd trimester and (ii) maternal and paternal blood DNA drawn at term pregnancy cases representing normal and complicated gestations (severe preeclampsia, PE; gestational diabetes, GD; small-for-gestational age newborn, SGA; large-for-gestational age newborn, LGA). We performed CNV calling based on genome-wide genotyping dataset (Illumina HumanOmniExpress-24-v1 BeadChip) by applying three algorithms, QuantiSNP, GADA (Genome Alteration Detection Algorithm) and CNstream in parallel. The acquired CNV calls were merged with HD-CNV (Hotspot Detector for Copy Number Variants) program and only the CNVs predicted by at least two programs, were considered in subsequent analysis.

Literature cited by the submitters: PubMed 25666259.

NM_018557.3(LRP1B):c.344-65793_344-61550del

Gene: LRP1B (LDL receptor related protein 1B; minus strand). Cytogenetic location: 2q22.1.
Variant type: Deletion.
Coding change: c.344-65793_344-61550del on transcript NM_018557.3 (MANE Select); 65793 bases into the intron before coding-DNA position 344 through 61550 bases into the intron before coding-DNA position 344, 4,244 bases deleted.
Molecular consequence: intron variant.
Genome position (GRCh38, 1-based): chr2:141,316,191-141,320,434, 4,244 bases deleted. GRCh37 (hg19): chr2:142,073,760-142,078,003.
Identifiers: ClinVar variation 156805 (VCV000156805.2), ClinGen allele CA212001.